The following is an entry in ClinVar:

NM_004336.5(BUB1):c.2497A>C (p.Ile833Leu)

Gene: BUB1 (BUB1 mitotic checkpoint serine/threonine kinase; minus strand). Cytogenetic location: 2q13.
Variant type: single nucleotide variant.
Coding change: c.2497A>C on transcript NM_004336.5 (MANE Select); coding-DNA position 2497, A replaced by C.
Protein change: p.Ile833Leu; replaces isoleucine 833 with leucine.
Molecular consequence: missense variant.
Genome position (GRCh38, 1-based): chr2:110,641,770, T>G on the plus strand (A>C on the coding strand, the complement: BUB1 is on the minus strand). VCF-style: chr2-110641770-T-G. GRCh37 (hg19) VCF-style: chr2-111399347-T-G.
Other names: c.2437A>C, p.Ile813Leu (NM_001278616.2); c.2497A>C, p.Ile833Leu (NM_001278617.2); short protein forms I813L, I833L.
Identifiers: ClinVar variation 1792139 (VCV001792139.2), dbSNP rs2467972352, ClinGen allele CA348090546.

ClinVar aggregate classification (germline): Uncertain significance (1 of 4 stars; one submission).

Submission:

Ambry Genetics
Classification: Uncertain significance. Last evaluated: 2021-08-29. Review status: criteria provided, single submitter. Criteria: Ambry Variant Classification Scheme 2023. Collection method: clinical testing. Allele origin: germline.
Comment: The p.I833L variant (also known as c.2497A>C), located in coding exon 21 of the BUB1 gene, results from an A to C substitution at nucleotide position 2497. The isoleucine at codon 833 is replaced by leucine, an amino acid with highly similar properties. This amino acid position is conserved. In addition, this alteration is predicted to be tolerated by in silico analysis. Since supporting evidence is limited at this time, the clinical significance of this alteration remains unclear.